The following is an entry in ClinVar:

NM_001171613.2(PREPL):c.1729G>T (p.Glu577Ter)

Gene: PREPL (prolyl endopeptidase like; minus strand). Cytogenetic location: 2p21.
Variant type: single nucleotide variant.
Coding change: c.1729G>T on transcript NM_001171613.2 (MANE Select); coding-DNA position 1729, G replaced by T.
Protein change: p.Glu577Ter; replaces glutamic acid 577 with a stop codon.
Molecular consequence: nonsense.
Genome position (GRCh38, 1-based): chr2:44,322,755, C>A on the plus strand (G>T on the coding strand, the complement: PREPL is on the minus strand). VCF-style: chr2-44322755-C-A. GRCh37 (hg19) VCF-style: chr2-44549894-C-A.
Other names: c.1810G>T, p.Glu604Ter (NM_001042385.2); c.1798G>T, p.Glu600Ter (NM_001042386.2); c.1996G>T, p.Glu666Ter (NM_001171603.1, NM_001171606.2, NM_001374275.1 and 2 more transcripts); c.1729G>T, p.Glu577Ter (NM_001171617.1, NM_001374277.1); short protein forms E604*, E600*, E577*, E666*.
Identifiers: ClinVar variation 1416920 (VCV001416920.7), dbSNP rs983509465, ClinGen allele CA46525244.

ClinVar aggregate classification (germline): Pathogenic. Review status: criteria provided, multiple submitters, no conflicts (2 of 4 stars). 2 submissions from 2 submitters: Pathogenic (2). Last evaluated 2022-07-14.

Conditions:
Myasthenic syndrome, congenital, 22 (CMS22). Also called: PREPL DEFICIENCY. Identifiers: MedGen C4479088, MONDO:0044299, OMIM 616224.

Submissions (2):

Labcorp Genetics (formerly Invitae), Labcorp
Classification: Pathogenic for Myasthenic syndrome, congenital, 22. Last evaluated: 2022-07-14. Review status: criteria provided, single submitter. Criteria: Invitae Variant Classification Sherloc (09022015). Collection method: clinical testing. Allele origin: germline.
Comment: This sequence change creates a premature translational stop signal (p.Glu666*) in the PREPL gene. It is expected to result in an absent or disrupted protein product. Loss-of-function variants in PREPL are known to be pathogenic (PMID: 24610330, 28726805, 29913539). This variant is not present in population databases (gnomAD no frequency). This variant has not been reported in the literature in individuals affected with PREPL-related conditions. ClinVar contains an entry for this variant (Variation ID: 1416920). Algorithms developed to predict the effect of sequence changes on RNA splicing suggest that this variant may disrupt the consensus splice site. For these reasons, this variant has been classified as Pathogenic.

Mendelics
Classification: Pathogenic for Myasthenic syndrome, congenital, 22. Last evaluated: 2022-05-04. Review status: criteria provided, single submitter. Criteria: Mendelics Assertion Criteria 2019. Collection method: clinical testing. Allele origin: germline.

Literature cited by the submitters: PubMed 24610330 (cited by Labcorp Genetics (formerly Invitae), Labcorp); PubMed 28726805 (cited by Labcorp Genetics (formerly Invitae), Labcorp); PubMed 29913539 (cited by Labcorp Genetics (formerly Invitae), Labcorp).